The following is an entry in ClinVar:

ClinVar aggregate classification (germline): Pathogenic/Likely pathogenic. Review status: criteria provided, multiple submitters, no conflicts (2 of 4 stars). 4 submissions from 4 submitters: Pathogenic (2); Likely pathogenic (1). 1 of the submissions does not count toward it. Last evaluated 2024-07-10.

Conditions:
DYX1C1 & DYX1C1-CCPG1-related disorders.
DNAAF4-related disorder. Also called: DNAAF4-related condition.

Allele frequency attached by ClinVar (database versions not stated): gnomAD exomes below 0.00001 and 0.00001; ExAC 0.00001; TOPMed 0.00001; gnomAD 0.00002.
gnomAD v4.1: 21 of 1,605,178 alleles (0.0013%); highest among the groups gnomAD compares: Non-Finnish European, 0.0016%; no homozygotes.

Submissions (4):

Blueprint Genetics
Classification: Likely pathogenic for DYX1C1 & DYX1C1-CCPG1-related disorders. Last evaluated: 2024-07-10. Review status: criteria provided, single submitter. Criteria: ACMG Guidelines, 2015. Collection method: clinical testing. Allele origin: germline. Affected: yes. Observed: 5 variant alleles.

Labcorp Genetics (formerly Invitae), Labcorp
Classification: Pathogenic. Last evaluated: 2024-06-24. Review status: criteria provided, single submitter. Criteria: Invitae Variant Classification Sherloc (09022015). Collection method: clinical testing. Allele origin: germline.
Comment: This sequence change affects a donor splice site in intron 8 of the DNAAF4 gene. It is expected to disrupt RNA splicing. Variants that disrupt the donor or acceptor splice site typically lead to a loss of protein function (PMID: 16199547), and loss-of-function variants in DNAAF4 are known to be pathogenic (PMID: 23872636). This variant is present in population databases (rs779538333, gnomAD 0.002%). Disruption of this splice site has been observed in individuals with primary ciliary dyskinesia (Invitae). ClinVar contains an entry for this variant (Variation ID: 280613). Algorithms developed to predict the effect of sequence changes on RNA splicing suggest that this variant may disrupt the consensus splice site. For these reasons, this variant has been classified as Pathogenic.

GeneDx
Classification: Pathogenic. Last evaluated: 2016-05-16. Review status: criteria provided, single submitter. Criteria: GeneDx Variant Classification (06012015). Collection method: clinical testing. Allele origin: germline. Affected: yes.
Comment: The c.1047+1G>A variant in the DYX1C1 gene has not been reported previously as a pathogenic variant nor as a benign variant, to our knowledge. This splice site variant destroys the canonical splice donor site in intron 8. It is predicted to cause abnormal gene splicing, either leading to an abnormal message that is subject to nonsense-mediated mRNA decay, or to an abnormal protein product if the message is used for protein translation. The c.1047+1G>A variant was not observed in approximately 6500 individuals of European and African American ancestry in the NHLBI Exome Sequencing Project, indicating it is not a common benign variant in these populations. We interpret c.1047+1G>A as a pathogenic variant.

PreventionGenetics, part of Exact Sciences
Classification: Likely pathogenic for DNAAF4-related condition. Last evaluated: 2024-03-18. Review status: no assertion criteria provided. Collection method: clinical testing. Allele origin: germline. Not counted in ClinVar's aggregate classification.
Comment: The DNAAF4 c.1047+1G>A variant is predicted to disrupt the GT donor site and interfere with normal splicing. To our knowledge, this variant has not been reported in the literature. This variant is reported in 0.0016% of alleles in individuals of European (Non-Finnish) descent in gnomAD. Variants that disrupt the consensus splice donor site in DNAAF4 are expected to be pathogenic. This variant is interpreted as likely pathogenic.

Literature cited by the submitters: PubMed 16199547 (cited by Labcorp Genetics (formerly Invitae), Labcorp); PubMed 23872636 (cited by Labcorp Genetics (formerly Invitae), Labcorp).

NM_130810.4(DNAAF4):c.1047+1G>A

Genes: DNAAF4 (dynein axonemal assembly factor 4; minus strand), DNAAF4-CCPG1 (DNAAF4-CCPG1 readthrough (NMD candidate); minus strand). Cytogenetic location: 15q21.3.
Variant type: single nucleotide variant.
Coding change: c.1047+1G>A on transcript NM_130810.4 (MANE Select); the canonical splice donor site of the intron after coding-DNA position 1047, G replaced by A.
Molecular consequence: splice donor variant.
Genome position (GRCh38, 1-based): chr15:55,434,904, C>T on the plus strand (G>A on the coding strand, the complement: DNAAF4 is on the minus strand). VCF-style: chr15-55434904-C-T. GRCh37 (hg19) VCF-style: chr15-55727102-C-T.
Other names: c.1047+1G>A (NM_001033560.2, NM_001033559.3).
Identifiers: ClinVar variation 280613 (VCV000280613.12), dbSNP rs779538333, ClinGen allele CA7574853.